The following is an entry in ClinVar:

NM_001377935.1(RAPGEF1):c.3251T>C (p.Met1084Thr)

Gene: RAPGEF1 (Rap guanine nucleotide exchange factor 1; minus strand). Cytogenetic location: 9q34.13.
Variant type: single nucleotide variant.
Coding change: c.3251T>C on transcript NM_001377935.1 (MANE Select); coding-DNA position 3251, T replaced by C.
Protein change: p.Met1084Thr; replaces methionine 1084 with threonine.
Molecular consequence: missense variant.
Genome position (GRCh38, 1-based): chr9:131,584,579, A>G on the plus strand (T>C on the coding strand, the complement: RAPGEF1 is on the minus strand). VCF-style: chr9-131584579-A-G. GRCh37 (hg19) VCF-style: chr9-134459966-A-G.
Other names: c.2744T>C, p.Met915Thr (NM_001304275.2); c.2690T>C, p.Met897Thr (NM_001377936.1); c.2630T>C, p.Met877Thr (NM_001377937.1); c.3140T>C, p.Met1047Thr (NM_001377938.1); c.2693T>C, p.Met898Thr (NM_005312.4); c.2747T>C, p.Met916Thr (NM_198679.2); short protein forms M1047T, M1084T, M877T, M897T, M898T, M915T, M916T.
Identifiers: ClinVar variation 2659635 (VCV002659635.24), dbSNP rs2539755378, ClinGen allele CA375318899.

ClinVar aggregate classification (germline): Uncertain significance (1 of 4 stars; one submission).

Submission:

CeGaT Center for Human Genetics Tuebingen
Classification: Uncertain significance. Last evaluated: 2023-01-01. Review status: criteria provided, single submitter. Criteria: CeGaT Center For Human Genetics Tuebingen Variant Classification Criteria Version 2. Collection method: clinical testing. Allele origin: germline. Affected: yes. Observed: 1 variant allele.
Comment: RAPGEF1: PM2, PP2